The following is an entry in ClinVar:

ClinVar aggregate classification (germline): Conflicting classifications of pathogenicity. Review status: criteria provided, conflicting classifications (1 of 4 stars). 4 submissions from 4 submitters: Uncertain significance (3); Likely benign (1). Last evaluated 2025-09-20.

Conditions:
Inborn genetic diseases. Identifiers: MedGen C0950123, MeSH D030342.
Holoprosencephaly 9 (HPE9). Also called: HOLOPROSENCEPHALY WITH MICROPHTHALMIA AND FIRST BRANCHIAL ARCH ANOMALIES; PITUITARY ANOMALIES WITH HOLOPROSENCEPHALY-LIKE FEATURES. Identifiers: Orphanet 2162, MedGen C1835819, MONDO:0012563, OMIM 610829.
Postaxial polydactyly-anterior pituitary anomalies-facial dysmorphism syndrome. Also called: Culler-Jones syndrome. Identifiers: Orphanet 420584, MedGen C4014479, MONDO:0014369, OMIM 615849.

Allele frequency attached by ClinVar (database versions not stated): gnomAD exomes 0.00006 and 0.00003; gnomAD 0.00015 and 0.00016; ExAC 0.00007; TOPMed 0.00017; ESP Exome Variant Server 0.00023.
gnomAD v4.1: 66 of 1,613,680 alleles (0.0041%); highest among the groups gnomAD compares: African/African-American, 0.06%; no homozygotes.

Submissions (4):

Labcorp Genetics (formerly Invitae), Labcorp
Classification: Uncertain significance for Postaxial polydactyly-anterior pituitary anomalies-facial dysmorphism syndrome; Holoprosencephaly 9. Last evaluated: 2025-09-20. Review status: criteria provided, single submitter. Criteria: Invitae Variant Classification Sherloc (09022015). Collection method: clinical testing. Allele origin: germline.
Comment: This sequence change replaces histidine, which is basic and polar, with arginine, which is basic and polar, at codon 74 of the GLI2 protein (p.His74Arg). This variant is present in population databases (rs377700501, gnomAD 0.07%), and has an allele count higher than expected for a pathogenic variant. This variant has not been reported in the literature in individuals affected with GLI2-related conditions. ClinVar contains an entry for this variant (Variation ID: 195240). An algorithm developed to predict the effect of missense changes on protein structure and function (PolyPhen-2) suggests that this variant is likely to be disruptive. In summary, the available evidence is currently insufficient to determine the role of this variant in disease. Therefore, it has been classified as a Variant of Uncertain Significance.

Ambry Genetics
Classification: Likely benign for Inborn genetic diseases. Last evaluated: 2025-02-03. Review status: criteria provided, single submitter. Criteria: Ambry Variant Classification Scheme 2023. Collection method: clinical testing. Allele origin: germline.

GeneDx
Classification: Uncertain significance. Last evaluated: 2023-11-12. Review status: criteria provided, single submitter. Criteria: GeneDx Variant Classification Process June 2021. Collection method: clinical testing. Allele origin: germline. Affected: yes.
Comment: Has not been previously published as pathogenic or benign to our knowledge; In silico analysis supports that this missense variant has a deleterious effect on protein structure/function

Eurofins Ntd Llc (ga)
Classification: Uncertain significance. Last evaluated: 2014-10-30. Review status: criteria provided, single submitter. Criteria: EGL Classification Definitions 2015. Collection method: clinical testing. Allele origin: germline. Observed: 1 variant allele, 1 heterozygote.

NM_001374353.1(GLI2):c.221A>G (p.His74Arg)

Gene: GLI2 (GLI family zinc finger 2; plus strand). Cytogenetic location: 2q14.2.
Variant type: single nucleotide variant.
Coding change: c.221A>G on transcript NM_001374353.1 (MANE Select); coding-DNA position 221, A replaced by G.
Protein change: p.His74Arg; replaces histidine 74 with arginine.
Molecular consequence: missense variant. On other transcripts: intron variant (1).
Genome position (GRCh38, 1-based): chr2:120,927,433, A>G. VCF-style: chr2-120927433-A-G. GRCh37 (hg19) VCF-style: chr2-121685009-A-G.
Other names: c.221A>G (NM_005270.4); c.221A>G, p.His74Arg (NM_001371271.1, NM_005270.5); c.-121-23810A>G (NM_001374354.1); short protein forms H74R.
Identifiers: ClinVar variation 195240 (VCV000195240.10), dbSNP rs377700501, ClinGen allele CA241576.
Genomic context (GRCh38, chr2:120,927,433, plus strand): 5'-TCTTGCCACCATTCCATGCGCCCCTACCGATTGACATGCGACACCAGGAAGGAAGGTACC[A>G]TTACGAGCCTCATTCTGTCCACGGTGTGCACGGGTAAGTCCTGCCCTCTGCCTGCTGCTC-3'
Protein context (NP_001361282.1, residues 64-84): IDMRHQEGRY[His74Arg]YEPHSVHGVH